The following is an entry in ClinVar:

ClinVar aggregate classification (germline): Pathogenic/Likely pathogenic. Review status: criteria provided, multiple submitters, no conflicts (2 of 4 stars). 2 submissions from 2 submitters: Pathogenic (1); Likely pathogenic (1). Last evaluated 2025-02-16.

Submissions (2):

Laboratory of Genetics, Children's Clinical University Hospital Latvia
Classification: Likely pathogenic. Last evaluated: 2025-02-16. Review status: criteria provided, single submitter. Criteria: ACMG Guidelines, 2015. Collection method: clinical testing. Allele origin: germline. Affected: yes.

Labcorp Genetics (formerly Invitae), Labcorp
Classification: Pathogenic. Last evaluated: 2024-02-26. Review status: criteria provided, single submitter. Criteria: Invitae Variant Classification Sherloc (09022015). Collection method: clinical testing. Allele origin: germline.
Comment: This sequence change creates a premature translational stop signal (p.Val800*) in the SNX14 gene. It is expected to result in an absent or disrupted protein product. Loss-of-function variants in SNX14 are known to be pathogenic (PMID: 25439728, 25848753). This variant is not present in population databases (gnomAD no frequency). This variant has not been reported in the literature in individuals affected with SNX14-related conditions. For these reasons, this variant has been classified as Pathogenic.

Literature cited by the submitters: PubMed 25439728 (cited by Labcorp Genetics (formerly Invitae), Labcorp); PubMed 25848753 (cited by Labcorp Genetics (formerly Invitae), Labcorp).

NM_153816.6(SNX14):c.2398del (p.Arg799_Val800insTer)

Gene: SNX14 (sorting nexin 14; minus strand). Cytogenetic location: 6q14.3.
Variant type: Deletion.
Coding change: c.2398del on transcript NM_153816.6 (MANE Select); coding-DNA position 2398, one base deleted (G; older notation c.2398delG).
Protein change: p.Arg799_Val800insTer.
Molecular consequence: nonsense. On other transcripts: non-coding transcript variant (6), intron variant (2).
Genome position (GRCh38, 1-based): chr6:85,514,229, C deleted on the plus strand (G on the coding strand, the reverse complement: SNX14 is on the minus strand); the first of 3 consecutive C bases (chr6:85,514,229-85,514,231); deleting any one gives the same sequence. VCF-style (leftmost placement, unchanged base first): chr6-85514228-AC-A. GRCh37 (hg19) VCF-style: chr6-86223946-AC-A.
Other names: c.1954del, p.Arg651_Val652insTer (NM_001350545.2, NM_001350546.2); c.1348del, p.Arg449_Val450insTer (NM_001350547.2); c.1243del, p.Arg414_Val415insTer (NM_001350548.2, NM_001350549.2, NM_001350550.2 and 2 more transcripts); c.1216del, p.Arg405_Val406insTer (NM_001350553.2); c.2239del, p.Arg746_Val747insTer (NM_020468.6, NM_001350539.2); c.2365+277del (NM_001350541.2); c.2392+277del (NM_001350540.2); c.2395del, p.Arg798_Val799insTer (NM_001350535.2, NM_001350533.2); and 10 more.
Identifiers: ClinVar variation 3643434 (VCV003643434.3).